The following is an entry in ClinVar:

NM_002063.4(GLRA2):c.115T>C (p.Ser39Pro)

Gene: GLRA2 (glycine receptor alpha 2; plus strand). Cytogenetic location: Xp22.2.
Variant type: single nucleotide variant.
Coding change: c.115T>C on transcript NM_002063.4 (MANE Select); coding-DNA position 115, T replaced by C.
Protein change: p.Ser39Pro; replaces serine 39 with proline.
Molecular consequence: missense variant. On other transcripts: 5 prime UTR variant (1).
Genome position (GRCh38, 1-based): chrX:14,532,285, T>C. VCF-style: chrX-14532285-T-C. GRCh37 (hg19) VCF-style: chrX-14550407-T-C.
Other names: c.115T>C, p.Ser39Pro (NM_001118885.2, NM_001118886.2); c.-113T>C (NM_001171942.2); short protein forms S39P.
Identifiers: ClinVar variation 3100325 (VCV003100325.2), dbSNP rs867583605, ClinGen allele CA326987456.
Genomic context (GRCh38, chrX:14,532,285, plus strand): 5'-AATGATGTGTTTAGGACGGCTTTCTGCAAAGACCATGACTCCAGGTCTGGAAAACAACCT[T>C]CACAGACCCTATCTCCTTCAGATTTCTTGGACAAGTTAATGGGAAGGACATCAGGATATG-3'
Protein context (NP_002054.1, residues 29-49): DHDSRSGKQP[Ser39Pro]QTLSPSDFLD

ClinVar aggregate classification (germline): Uncertain significance. Review status: criteria provided, multiple submitters, no conflicts (2 of 4 stars). 2 submissions from 2 submitters: Uncertain significance (2). Last evaluated 2025-05-11.

Conditions:
Inborn genetic diseases. Identifiers: MedGen C0950123, MeSH D030342.

Allele frequency attached by ClinVar (database versions not stated): TOPMed 0.00002; gnomAD exomes below 0.00001; gnomAD 0.00001.
gnomAD v4.1: 3 of 1,189,077 alleles (0.00025%); highest among the groups gnomAD compares: African/African-American, 0.0035%; no homozygotes.

Submissions (2):

GeneDx
Classification: Uncertain significance. Last evaluated: 2025-05-11. Review status: criteria provided, single submitter. Criteria: GeneDx Variant Classification Process June 2021. Collection method: clinical testing. Allele origin: germline. Affected: yes.
Comment: Not observed at significant frequency in large population cohorts (gnomAD); In silico analysis suggests that this missense variant does not alter protein structure/function; Has not been previously published as pathogenic or benign to our knowledge

Ambry Genetics
Classification: Uncertain significance for Inborn genetic diseases. Last evaluated: 2024-01-09. Review status: criteria provided, single submitter. Criteria: Ambry Variant Classification Scheme 2023. Collection method: clinical testing. Allele origin: germline.